The following is an entry in ClinVar:

NM_003036.4(SKI):c.1885G>C (p.Glu629Gln)

Gene: SKI (SKI proto-oncogene; plus strand). Cytogenetic location: 1p36.32.
Variant type: single nucleotide variant.
Coding change: c.1885G>C on transcript NM_003036.4 (MANE Select); coding-DNA position 1885, G replaced by C.
Protein change: p.Glu629Gln; replaces glutamic acid 629 with glutamine.
Molecular consequence: missense variant.
Genome position (GRCh38, 1-based): chr1:2,306,137, G>C. VCF-style: chr1-2306137-G-C. GRCh37 (hg19) VCF-style: chr1-2237576-G-C.
Other names: short protein forms E629Q.
Identifiers: ClinVar variation 2452625 (VCV002452625.2), dbSNP rs2521513112, ClinGen allele CA337958909.

ClinVar aggregate classification (germline): Uncertain significance (1 of 4 stars; one submission).

Conditions:
Familial thoracic aortic aneurysm and aortic dissection (TAAD). Also called: Thoracic aortic aneurysms and dissections. Identifiers: Orphanet 91387, MedGen C4707243, MONDO:0019625.

Submission:

Ambry Genetics
Classification: Uncertain significance for Familial thoracic aortic aneurysm and aortic dissection. Last evaluated: 2022-11-20. Review status: criteria provided, single submitter. Criteria: Ambry Variant Classification Scheme 2023. Collection method: clinical testing. Allele origin: germline.
Comment: The p.E629Q variant (also known as c.1885G>C), located in coding exon 6 of the SKI gene, results from a G to C substitution at nucleotide position 1885. The glutamic acid at codon 629 is replaced by glutamine, an amino acid with highly similar properties. This amino acid position is conserved. In addition, the in silico prediction for this alteration is inconclusive. Since supporting evidence is limited at this time, the clinical significance of this alteration remains unclear.